The following is an entry in ClinVar:

NM_006579.3(EBP):c.622G>A (p.Val208Met)

Gene: EBP (EBP cholestenol delta-isomerase; plus strand). Cytogenetic location: Xp11.23.
Variant type: single nucleotide variant.
Coding change: c.622G>A on transcript NM_006579.3 (MANE Select); coding-DNA position 622, G replaced by A.
Protein change: p.Val208Met; replaces valine 208 with methionine.
Molecular consequence: missense variant.
Genome position (GRCh38, 1-based): chrX:48,528,386, G>A. VCF-style: chrX-48528386-G-A. GRCh37 (hg19) VCF-style: chrX-48386774-G-A.
Other names: c.622G>A (NM_006579.2); short protein forms V208M.
Identifiers: ClinVar variation 1690517 (VCV001690517.3), dbSNP rs1363599120, ClinGen allele CA412853321.

ClinVar aggregate classification (germline): Uncertain significance. Review status: criteria provided, multiple submitters, no conflicts (2 of 4 stars). 2 submissions from 2 submitters: Uncertain significance (2). Last evaluated 2024-10-07.

Allele frequency attached by ClinVar (database versions not stated): gnomAD exomes below 0.00001; TOPMed 0.00001.
gnomAD v4.1: 5 of 1,188,576 alleles (0.00042%); highest among the groups gnomAD compares: South Asian, 0.0056%; no homozygotes.

Submissions (2):

GeneDx
Classification: Uncertain significance. Last evaluated: 2024-10-07. Review status: criteria provided, single submitter. Criteria: GeneDx Variant Classification Process June 2021. Collection method: clinical testing. Allele origin: germline. Affected: yes.
Comment: Not observed at significant frequency in large population cohorts (gnomAD); In silico analysis indicates that this missense variant does not alter protein structure/function; Has not been previously published as pathogenic or benign to our knowledge

Laboratorio de Genetica e Diagnostico Molecular, Hospital Israelita Albert Einstein
Classification: Uncertain significance. Last evaluated: 2021-12-14. Review status: criteria provided, single submitter. Criteria: ACMG Guidelines, 2015. Collection method: clinical testing. Allele origin: germline. Affected: yes.
Comment: ACMG classification criteria: PM2, BP4